The following is an entry in ClinVar:

ClinVar aggregate classification (germline): Uncertain significance. Review status: criteria provided, multiple submitters, no conflicts (2 of 4 stars). 8 submissions from 8 submitters: Uncertain significance (7). 1 of the submissions does not count toward it. Last evaluated 2024-01-02.

Conditions:
Inborn genetic diseases. Identifiers: MedGen C0950123, MeSH D030342.
Intellectual disability. Also called: Intellectual functioning disability; intellectual disabilities; Intellectual developmental disorder. Identifiers: MedGen C3714756, MeSH D008607, MONDO:0001071, HP:0001249.
Intellectual developmental disorder, autosomal recessive 13. Also called: Intellectual disability, autosomal recessive 13. Identifiers: Orphanet 88616, MedGen C2750791, MONDO:0013173, OMIM 613192.

Allele frequency attached by ClinVar (database versions not stated): 1000 Genomes Project 0.00020; 1000 Genomes Project 30x 0.00031; gnomAD 0.00045 and 0.00046; TOPMed 0.00046; gnomAD exomes 0.00048 and 0.00073; ExAC 0.00050; ESP Exome Variant Server 0.00054.
gnomAD v4.1: 1,132 of 1,614,206 alleles (0.07%); highest among the groups gnomAD compares: Non-Finnish European, 0.086%; no homozygotes.

Submissions (8):

Labcorp Genetics (formerly Invitae), Labcorp
Classification: Uncertain significance. Last evaluated: 2024-01-02. Review status: criteria provided, single submitter. Criteria: Invitae Variant Classification Sherloc (09022015). Collection method: clinical testing. Allele origin: germline.
Comment: This sequence change replaces arginine, which is basic and polar, with tryptophan, which is neutral and slightly polar, at codon 383 of the TRAPPC9 protein (p.Arg383Trp). This variant is present in population databases (rs141441030, gnomAD 0.09%), and has an allele count higher than expected for a pathogenic variant. This variant has not been reported in the literature in individuals affected with TRAPPC9-related conditions. ClinVar contains an entry for this variant (Variation ID: 235340). An algorithm developed to predict the effect of missense changes on protein structure and function (PolyPhen-2) suggests that this variant is likely to be disruptive. In summary, the available evidence is currently insufficient to determine the role of this variant in disease. Therefore, it has been classified as a Variant of Uncertain Significance.

Revvity Omics, Revvity
Classification: Uncertain significance for Intellectual developmental disorder, autosomal recessive 13. Last evaluated: 2023-10-27. Review status: criteria provided, single submitter. Criteria: ACMG Guidelines, 2015. Collection method: clinical testing. Allele origin: germline.

Ambry Genetics
Classification: Uncertain significance for Inborn genetic diseases. Last evaluated: 2022-09-29. Review status: criteria provided, single submitter. Criteria: Ambry Variant Classification Scheme 2023. Collection method: clinical testing. Allele origin: germline.
Comment: The c.1147C>T (p.R383W) alteration is located in coding exon 4 of the TRAPPC9 gene. This alteration results from a C to T substitution at nucleotide position 1147, causing the arginine (R) at amino acid position 383 to be replaced by a tryptophan (W). Based on data from the Genome Aggregation Database (gnomAD) database, the TRAPPC9 c.1147C>T alteration was observed in 0.05% (128/282808) of total alleles studied, with a frequency of 0.11% (11/10366) in the Ashkenazi Jewish subpopulation. This amino acid position is highly conserved in available vertebrate species. The in silico prediction for the p.R383W alteration is inconclusive. Based on insufficient or conflicting evidence, the clinical significance of this alteration remains unclear.

Victorian Clinical Genetics Services, Murdoch Childrens Research Institute
Classification: Uncertain significance for Intellectual developmental disorder, autosomal recessive 13. Last evaluated: 2020-05-21. Review status: criteria provided, single submitter. Criteria: ACMG Guidelines, 2015. Collection method: clinical testing. Allele origin: germline. Inheritance: Autosomal recessive inheritance.
Comment: Based on the classification scheme VCGS_Germline_v1.1.1, this variant is classified as 3B-VUS. Following criteria are met: 0102 - Loss-of-function is a known mechanism of disease for this gene. (N) 0106 - This gene is known to be associated with autosomal recessive disease. (N) 0200 - Variant is predicted to result in a missense amino acid change from arginine to tryptophan (exon 4). (N) 0251 - Variant is heterozygous. (N) 0304 - Variant is present in gnomAD <0.01 for a recessive condition (128 heterozygotes, 0 homozygotes) (P) 0309 - An alternative amino acid change at the same position has been observed in gnomAD (p.(Arg285Gln); (1 heterozygote, 0 homozygotes)). (N) 0501 - Missense variant consistently predicted to be damaging by multiple in silico tools or highly conserved with a major amino acid change. (P) 0600 - Variant is located in an annotated domain or motif (TRAPPC9-Trs120 domain; DECIPHER, NCBI). (N) 0705 - No comparable variants have previous evidence for pathogenicity. (N) 0808 - Previous reports of pathogenicity are conflicting. (N) 0905 - No segregation evidence has been identified for this variant. (N) 1007 - No published functional evidence has been identified for this variant. (N) 1208 - Inheritance information for this variant is not currently available. (N) Legend: (P) - Pathogenic, (N) - Neutral, (B) - Benign

Fulgent Genetics
Classification: Uncertain significance for Intellectual developmental disorder, autosomal recessive 13. Last evaluated: 2018-10-31. Review status: criteria provided, single submitter. Criteria: ACMG Guidelines, 2015. Collection method: clinical testing. Allele origin: unknown.

Center for Pediatric Genomic Medicine, Children's Mercy Hospital and Clinics
Classification: Uncertain significance. Last evaluated: 2016-05-11. Review status: criteria provided, single submitter. Criteria: ACMG Guidelines, 2015. Collection method: clinical testing. Allele origin: germline.
ClinVar note: Converted during submission from Uncertain Significance to Uncertain significance.

Genetic Services Laboratory, University of Chicago
Classification: Uncertain significance. Last evaluated: 2015-08-17. Review status: criteria provided, single submitter. Criteria: ACMG Guidelines, 2015. Collection method: clinical testing. Allele origin: germline. Affected: no.

Centre de Biologie Pathologie Génétique, Centre Hospitalier Universitaire de Lille
Classification: Uncertain significance for Intellectual disability. Last evaluated: 2019-01-01. Review status: no assertion criteria provided. Collection method: clinical testing. Allele origin: unknown. Affected: yes. Not counted in ClinVar's aggregate classification.

Literature cited by the submitters: PubMed 29610177 (cited by Victorian Clinical Genetics Services, Murdoch Childrens Research Institute).

NM_001160372.4(TRAPPC9):c.853C>T (p.Arg285Trp)

Gene: TRAPPC9 (trafficking protein particle complex subunit 9; minus strand). Cytogenetic location: 8q24.3.
Variant type: single nucleotide variant.
Coding change: c.853C>T on transcript NM_001160372.4 (MANE Select); coding-DNA position 853, C replaced by T.
Protein change: p.Arg285Trp; replaces arginine 285 with tryptophan.
Molecular consequence: missense variant. On other transcripts: non-coding transcript variant (1).
Genome position (GRCh38, 1-based): chr8:140,435,118, G>A on the plus strand (C>T on the coding strand, the complement: TRAPPC9 is on the minus strand). VCF-style: chr8-140435118-G-A. GRCh37 (hg19) VCF-style: chr8-141445217-G-A.
Other names: c.853C>T, p.Arg285Trp (NM_001321646.2, NM_001374683.1, NM_001374684.1 and 1 more transcripts); c.874C>T, p.Arg292Trp (NM_001374682.1); short protein forms R285W, R383W, R292W.
Identifiers: ClinVar variation 235340 (VCV000235340.18), dbSNP rs141441030, ClinGen allele CA4893621.